The following is an entry in ClinVar:

ClinVar aggregate classification (germline): Uncertain significance. Review status: criteria provided, multiple submitters, no conflicts (2 of 4 stars). 5 submissions from 5 submitters: Uncertain significance (5). Last evaluated 2024-03-11.

Conditions:
Hereditary cancer-predisposing syndrome. Also called: Neoplastic Syndromes, Hereditary; Tumor predisposition; Hereditary Cancer Syndrome; Hereditary neoplastic syndrome. Identifiers: Orphanet 140162, MedGen C0027672, MeSH D009386, MONDO:0015356.
Familial adenomatous polyposis 1 (FAP1). Also called: FAMILIAL ADENOMATOUS POLYPOSIS 1, ATTENUATED; POLYPOSIS, ADENOMATOUS INTESTINAL. Identifiers: MedGen C2713442, MONDO:0021056, OMIM 175100. Disease mechanism: loss of function.

Allele frequency attached by ClinVar (database versions not stated): TOPMed 0.00001.
gnomAD v4.1: 2 of 1,613,222 alleles (0.00012%); highest among the groups gnomAD compares: Non-Finnish European, 0.000085%; no homozygotes.

Submissions (5):

Ambry Genetics
Classification: Uncertain significance for Hereditary cancer-predisposing syndrome. Last evaluated: 2024-03-11. Review status: criteria provided, single submitter. Criteria: Ambry Variant Classification Scheme 2023. Collection method: clinical testing. Allele origin: germline.
Comment: The p.R1786K variant (also known as c.5357G>A), located in coding exon 15 of the APC gene, results from a G to A substitution at nucleotide position 5357. The arginine at codon 1786 is replaced by lysine, an amino acid with highly similar properties. This amino acid position is well conserved in available vertebrate species. In addition, in silico predictors for this gene do not accurately predict pathogenicity. Based on the available evidence, the clinical significance of this alteration remains unclear.

Blueprint Genetics
Classification: Uncertain significance. Last evaluated: 2024-03-08. Review status: criteria provided, single submitter. Criteria: ACMG Guidelines, 2015. Collection method: clinical testing. Allele origin: germline.

Labcorp Genetics (formerly Invitae), Labcorp
Classification: Uncertain significance for Familial adenomatous polyposis 1. Last evaluated: 2023-09-01. Review status: criteria provided, single submitter. Criteria: Invitae Variant Classification Sherloc (09022015). Collection method: clinical testing. Allele origin: germline.
Comment: Advanced modeling of protein sequence and biophysical properties (such as structural, functional, and spatial information, amino acid conservation, physicochemical variation, residue mobility, and thermodynamic stability) performed at Invitae indicates that this missense variant is not expected to disrupt APC protein function. In summary, the available evidence is currently insufficient to determine the role of this variant in disease. Therefore, it has been classified as a Variant of Uncertain Significance. ClinVar contains an entry for this variant (Variation ID: 411381). This sequence change replaces arginine, which is basic and polar, with lysine, which is basic and polar, at codon 1786 of the APC protein (p.Arg1786Lys). This variant is not present in population databases (gnomAD no frequency). This missense change has been observed in individual(s) with breast cancer (PMID: 26976419).

GeneDx
Classification: Uncertain significance. Last evaluated: 2023-05-03. Review status: criteria provided, single submitter. Criteria: GeneDx Variant Classification Process June 2021. Collection method: clinical testing. Allele origin: germline. Affected: yes.
Comment: Not observed at significant frequency in large population cohorts (gnomAD); In silico analysis supports that this missense variant does not alter protein structure/function; Identified in individual(s) with breast cancer (Tung et al., 2016); This variant is associated with the following publications: (PMID: 18199528, 26976419)

Color Diagnostics, LLC DBA Color Health
Classification: Uncertain significance for Hereditary cancer-predisposing syndrome. Last evaluated: 2019-06-03. Review status: criteria provided, single submitter. Criteria: ACMG Guidelines, 2015. Collection method: clinical testing. Allele origin: germline.

Literature cited by the submitters: PubMed 26976419 (cited by Labcorp Genetics (formerly Invitae), Labcorp).

NM_000038.6(APC):c.5357G>A (p.Arg1786Lys)

Gene: APC (APC regulator of Wnt signaling pathway; plus strand). Cytogenetic location: 5q22.2.
Variant type: single nucleotide variant.
Coding change: c.5357G>A on transcript NM_000038.6 (MANE Select); coding-DNA position 5357, G replaced by A.
Protein change: p.Arg1786Lys; replaces arginine 1786 with lysine.
Molecular consequence: missense variant.
Genome position (GRCh38, 1-based): chr5:112,840,951, G>A. VCF-style: chr5-112840951-G-A. GRCh37 (hg19) VCF-style: chr5-112176648-G-A.
Other names: c.5357G>A, p.Arg1786Lys (NM_001127510.3, NM_001354895.2); c.5303G>A, p.Arg1768Lys (NM_001127511.3); c.5411G>A, p.Arg1804Lys (NM_001354896.2); c.5387G>A, p.Arg1796Lys (NM_001354897.2); c.5282G>A, p.Arg1761Lys (NM_001354898.2); c.5273G>A, p.Arg1758Lys (NM_001354899.2); c.5234G>A, p.Arg1745Lys (NM_001354900.2); c.5180G>A, p.Arg1727Lys (NM_001354901.2); and 5 more; short protein forms R1768K, R1786K, R1761K, R1503K, R1660K, R1695K, R1727K, R1758K.
Identifiers: ClinVar variation 411381 (VCV000411381.56), dbSNP rs944674770, ClinGen allele CA16033041.
Genomic context (GRCh38, chr5:112,840,951, plus strand): 5'-ATGGTAAGAAAAAGAAACCAACTTCACCAGTAAAACCTATACCACAAAATACTGAATATA[G>A]GACACGTGTAAGAAAAAATGCAGACTCAAAAAATAATTTAAATGCTGAGAGAGTTTTCTC-3'
Protein context (NP_000029.2, residues 1776-1796): VKPIPQNTEY[Arg1786Lys]TRVRKNADSK